The following is an entry in ClinVar:

ClinVar aggregate classification (germline): Pathogenic. Review status: criteria provided, multiple submitters, no conflicts (2 of 4 stars). 4 submissions from 4 submitters: Pathogenic (2). 2 of the submissions do not count toward it. Last evaluated 2025-04-14.

Conditions:
Congenital generalized lipodystrophy type 2 (CGL2). Also called: BERARDINELLI SYNDROME; BRUNZELL SYNDROME, BSCL2-RELATED; SEIP SYNDROME; Berardinelli-Seip Congenital Lipodystrophy Type 2. Identifiers: Orphanet 528, Orphanet 696289, MedGen C1720863, MONDO:0010020, OMIM 269700.
Severe neurodegenerative syndrome with lipodystrophy. Also called: ENCEPHALOPATHY, PROGRESSIVE, WITH LIPODYSTROPHY; Encephalopathy, progressive, with or without lipodystrophy. Identifiers: Orphanet 363400, MedGen C4014700, MONDO:0014402, OMIM 615924.
Berardinelli-Seip congenital lipodystrophy. Identifiers: Orphanet 528, MedGen CN262437, MONDO:0018883.
Charcot-Marie-Tooth disease type 2. Also called: Charcot-Marie-Tooth type 2. Identifiers: Orphanet 64746, MedGen C0270914, MONDO:0018993.

Submissions (4):

First Genomix Gene Laboratory, Genetic Diagnostics Department
Classification: Pathogenic for Severe neurodegenerative syndrome with lipodystrophy; Congenital generalized lipodystrophy type 2. Last evaluated: 2025-04-14. Review status: criteria provided, single submitter. Criteria: ACMG Guidelines, 2015. Collection method: clinical testing. Allele origin: germline. Inheritance: Autosomal recessive inheritance. Affected: no. Observed: 1 variant allele.

Labcorp Genetics (formerly Invitae), Labcorp
Classification: Pathogenic for Charcot-Marie-Tooth disease type 2. Last evaluated: 2021-03-23. Review status: criteria provided, single submitter. Criteria: Invitae Variant Classification Sherloc (09022015). Collection method: clinical testing. Allele origin: germline.
Comment: For these reasons, this variant has been classified as Pathogenic. This variant has been observed in individual(s) with Berardinelli–Seip congenital lipodystrophy (PMID: 11479539, 23659685). This variant is also known as c.980delC (p.F213fsX232) in the literature. ClinVar contains an entry for this variant (Variation ID: 4540). This variant is present in population databases (rs758843908, ExAC 0.01%). This sequence change creates a premature translational stop signal (p.Tyr213Thrfs*20) in the BSCL2 gene. It is expected to result in an absent or disrupted protein product. Loss-of-function variants in BSCL2 are known to be pathogenic (PMID: 11479539, 23564749).

Inherited Neuropathy Consortium Ii, University Of Miami
Classification: Uncertain significance for Berardinelli-Seip congenital lipodystrophy. Last evaluated: 2016-01-06. Review status: no assertion criteria provided. Collection method: literature only. Allele origin: germline. Affected: yes. Not counted in ClinVar's aggregate classification.

OMIM
Classification: Pathogenic for LIPODYSTROPHY, CONGENITAL GENERALIZED, TYPE 2. Last evaluated: 2001-08-01. Review status: no assertion criteria provided. Collection method: literature only. Allele origin: germline. Not counted in ClinVar's aggregate classification.

Literature cited by the submitters: PubMed 11479539 (cited by Labcorp Genetics (formerly Invitae), Labcorp and OMIM); PubMed 23659685 (cited by Labcorp Genetics (formerly Invitae), Labcorp); PubMed 23564749 (cited by Labcorp Genetics (formerly Invitae), Labcorp and Inherited Neuropathy Consortium Ii, University Of Miami).

NM_001122955.4(BSCL2):c.828del (p.Tyr277fs)

Genes: BSCL2 (BSCL2 lipid droplet biogenesis associated, seipin; minus strand), HNRNPUL2-BSCL2 (HNRNPUL2-BSCL2 readthrough (NMD candidate); minus strand). Cytogenetic location: 11q12.3.
Variant type: Deletion.
Coding change: c.828del on transcript NM_001122955.4 (MANE Select); coding-DNA position 828, one base deleted (C; older notation c.828delC).
Protein change: p.Tyr277fs; shifts the reading frame from tyrosine 277.
Molecular consequence: frameshift variant. On other transcripts: non-coding transcript variant (1).
Genome position (GRCh38, 1-based): chr11:62,692,411, G deleted on the plus strand (C on the coding strand, the reverse complement: BSCL2 is on the minus strand); the first of 2 consecutive G bases (chr11:62,692,411-62,692,412); deleting either gives the same sequence. VCF-style (leftmost placement, unchanged base first): chr11-62692410-AG-A. GRCh37 (hg19) VCF-style: chr11-62459882-AG-A.
Other names: c.636del, p.Tyr213fs (NM_001130702.2, NM_032667.6); c.828del, p.Tyr277fs (NM_001386027.1, NM_001386028.1); c.636delC (NM_032667.6); short protein forms Y213fs, Y277fs.
Identifiers: ClinVar variation 4540 (VCV000004540.10), dbSNP rs758843908, ClinGen allele CA277929.